The following is an entry in ClinVar:

NM_001034850.3(RETREG1):c.820_823del (p.Glu274fs)

Gene: RETREG1 (reticulophagy regulator 1; minus strand). Cytogenetic location: 5p15.1.
Variant type: Deletion.
Coding change: c.820_823del on transcript NM_001034850.3 (MANE Select); coding-DNA positions 820 to 823, 4 bases deleted (GAAA; older notation c.820_823delGAAA).
Protein change: p.Glu274fs; shifts the reading frame from glutamic acid 274.
Molecular consequence: frameshift variant.
Genome position (GRCh38, 1-based): chr5:16,478,084-16,478,087, TTTC deleted on the plus strand (GAAA on the coding strand, the reverse complement: RETREG1 is on the minus strand); deleting any 4 consecutive bases within chr5:16,478,084-16,478,090 gives the same sequence; the c. name uses the placement nearest the transcript's 3' end. VCF-style (leftmost placement, unchanged base first): chr5-16478083-TTTTC-T. GRCh37 (hg19) VCF-style: chr5-16478192-TTTTC-T.
Other names: c.397_400del, p.Glu133fs (NM_019000.5); short protein forms E274fs, E133fs.
Identifiers: ClinVar variation 2738380 (VCV002738380.3), dbSNP rs1738618466, ClinGen allele CA1073565930.

ClinVar aggregate classification (germline): Pathogenic (1 of 4 stars; one submission).

Submission:

Labcorp Genetics (formerly Invitae), Labcorp
Classification: Pathogenic. Last evaluated: 2023-08-22. Review status: criteria provided, single submitter. Criteria: Invitae Variant Classification Sherloc (09022015). Collection method: clinical testing. Allele origin: germline.
Comment: This sequence change creates a premature translational stop signal (p.Glu274Lysfs*9) in the RETREG1 gene. It is expected to result in an absent or disrupted protein product. Loss-of-function variants in RETREG1 are known to be pathogenic (PMID: 19838196). This variant is not present in population databases (gnomAD no frequency). This variant has not been reported in the literature in individuals affected with RETREG1-related conditions. Algorithms developed to predict the effect of sequence changes on RNA splicing suggest that this variant may disrupt the consensus splice site. For these reasons, this variant has been classified as Pathogenic.

Literature cited by the submitters: PubMed 19838196.